The following is an entry in ClinVar:

NM_152309.3(PIK3AP1):c.1555G>A (p.Asp519Asn)

Gene: PIK3AP1 (phosphoinositide-3-kinase adaptor protein 1; minus strand). Cytogenetic location: 10q24.1.
Variant type: single nucleotide variant.
Coding change: c.1555G>A on transcript NM_152309.3 (MANE Select); coding-DNA position 1555, G replaced by A.
Protein change: p.Asp519Asn; replaces aspartic acid 519 with asparagine.
Molecular consequence: missense variant.
Genome position (GRCh38, 1-based): chr10:96,626,822, C>T on the plus strand (G>A on the coding strand, the complement: PIK3AP1 is on the minus strand). VCF-style: chr10-96626822-C-T. GRCh37 (hg19) VCF-style: chr10-98386579-C-T.
Other names: short protein forms D519N.
Identifiers: ClinVar variation 653446 (VCV000653446.10), dbSNP rs370707189, ClinGen allele CA5626218.
Genomic context (GRCh38, chr10:96,626,822, plus strand): 5'-TCTCTGGTCTGGGCACTGGGACAGGGGGCCTGCTGGCCAGGTCCACAGAAAAGGCCTCAT[C>T]GTCATCCACCGTGTGATAAACATCTTCTTCCTGACCAAGATGGCACTGATCTCTCTCCAG-3'
Protein context (NP_689522.2, residues 509-529): EEDVYHTVDD[Asp519Asn]EAFSVDLASR

ClinVar aggregate classification (germline): Uncertain significance. Review status: criteria provided, multiple submitters, no conflicts (2 of 4 stars). 3 submissions from 3 submitters: Uncertain significance (3). Last evaluated 2025-07-15.

Conditions:
Infantile spasms. Also called: Infantile spasm. Identifiers: MedGen C3887898, HP:0012469.

Allele frequency attached by ClinVar (database versions not stated): gnomAD exomes 0.00002 and 0.00004; ExAC 0.00006; ESP Exome Variant Server 0.00015; gnomAD 0.00022 and 0.00024; TOPMed 0.00024.
gnomAD v4.1: 66 of 1,614,062 alleles (0.0041%); highest among the groups gnomAD compares: African/African-American, 0.081%; no homozygotes.

Submissions (3):

Labcorp Genetics (formerly Invitae), Labcorp
Classification: Uncertain significance for Infantile spasms. Last evaluated: 2025-07-15. Review status: criteria provided, single submitter. Criteria: Invitae Variant Classification Sherloc (09022015). Collection method: clinical testing. Allele origin: germline.
Comment: This sequence change replaces aspartic acid, which is acidic and polar, with asparagine, which is neutral and polar, at codon 519 of the PIK3AP1 protein (p.Asp519Asn). This variant is present in population databases (rs370707189, gnomAD 0.07%), and has an allele count higher than expected for a pathogenic variant. This variant has not been reported in the literature in individuals affected with PIK3AP1-related conditions. ClinVar contains an entry for this variant (Variation ID: 653446). An algorithm developed to predict the effect of missense changes on protein structure and function outputs the following: PolyPhen-2: "Benign". The asparagine amino acid residue is found in multiple mammalian species, which suggests that this missense change does not adversely affect protein function. In summary, the available evidence is currently insufficient to determine the role of this variant in disease. Therefore, it has been classified as a Variant of Uncertain Significance.

Ambry Genetics
Classification: Uncertain significance. Last evaluated: 2025-01-23. Review status: criteria provided, single submitter. Criteria: Ambry Variant Classification Scheme 2023. Collection method: clinical testing. Allele origin: germline.

Breakthrough Genomics
Classification: Uncertain significance. Review status: criteria provided, single submitter. Criteria: ACMG Guidelines, 2015. Collection method: not provided. Allele origin: germline. Inheritance: Unknown mechanism. Affected: yes.